The following is an entry in ClinVar:

ClinVar aggregate classification (germline): Uncertain significance (1 of 4 stars; one submission).

Conditions:
Oligodontia-cancer predisposition syndrome. Also called: TOOTH AGENESIS-COLORECTAL CANCER SYNDROME. Identifiers: Orphanet 300576, MedGen C1837750, MONDO:0012075, OMIM 608615. Disease mechanism: loss of function.

gnomAD v4.1: 4 of 1,611,478 alleles (0.00025%); highest among the groups gnomAD compares: Non-Finnish European, 0.00034%; no homozygotes.

Submission:

Labcorp Genetics (formerly Invitae), Labcorp
Classification: Uncertain significance for Oligodontia-cancer predisposition syndrome. Last evaluated: 2025-03-01. Review status: criteria provided, single submitter. Criteria: Invitae Variant Classification Sherloc (09022015). Collection method: clinical testing. Allele origin: germline.
Comment: This sequence change replaces proline, which is neutral and non-polar, with leucine, which is neutral and non-polar, at codon 710 of the AXIN2 protein (p.Pro710Leu). This variant is not present in population databases (gnomAD no frequency). This variant has not been reported in the literature in individuals affected with AXIN2-related conditions. Invitae Evidence Modeling of protein sequence and biophysical properties (such as structural, functional, and spatial information, amino acid conservation, physicochemical variation, residue mobility, and thermodynamic stability) indicates that this missense variant is not expected to disrupt AXIN2 protein function with a negative predictive value of 80%. In summary, the available evidence is currently insufficient to determine the role of this variant in disease. Therefore, it has been classified as a Variant of Uncertain Significance.

NM_004655.4(AXIN2):c.2129C>T (p.Pro710Leu)

Gene: AXIN2 (axin 2; minus strand). Cytogenetic location: 17q24.1.
Variant type: single nucleotide variant.
Coding change: c.2129C>T on transcript NM_004655.4 (MANE Select); coding-DNA position 2129, C replaced by T.
Protein change: p.Pro710Leu; replaces proline 710 with leucine.
Molecular consequence: missense variant.
Genome position (GRCh38, 1-based): chr17:65,536,332, G>A on the plus strand (C>T on the coding strand, the complement: AXIN2 is on the minus strand). VCF-style: chr17-65536332-G-A. GRCh37 (hg19) VCF-style: chr17-63532450-G-A.
Other names: c.1934C>T, p.Pro645Leu (NM_001363813.1); short protein forms P645L, P710L.
Identifiers: ClinVar variation 4773805 (VCV004773805.1).